The following is an entry in ClinVar:

ClinVar aggregate classification (germline): Uncertain significance. Review status: criteria provided, multiple submitters, no conflicts (2 of 4 stars). 2 submissions from 2 submitters: Uncertain significance (2). Last evaluated 2025-06-04.

Conditions:
Inborn genetic diseases. Identifiers: MedGen C0950123, MeSH D030342.

Allele frequency attached by ClinVar (database versions not stated): gnomAD exomes below 0.00001 and 0.00001; ExAC 0.00001; gnomAD 0.00001; TOPMed 0.00002.
gnomAD v4.1: 4 of 1,614,100 alleles (0.00025%); highest among the groups gnomAD compares: Non-Finnish European, 0.00034%; no homozygotes.

Submissions (2):

Labcorp Genetics (formerly Invitae), Labcorp
Classification: Uncertain significance. Last evaluated: 2025-06-04. Review status: criteria provided, single submitter. Criteria: Invitae Variant Classification Sherloc (09022015). Collection method: clinical testing. Allele origin: germline.
Comment: This sequence change replaces leucine, which is neutral and non-polar, with histidine, which is basic and polar, at codon 218 of the TNFRSF11A protein (p.Leu218His). This variant is present in population databases (rs753664199, gnomAD 0.003%). This variant has not been reported in the literature in individuals affected with TNFRSF11A-related conditions. ClinVar contains an entry for this variant (Variation ID: 1351849). Invitae Evidence Modeling of protein sequence and biophysical properties (such as structural, functional, and spatial information, amino acid conservation, physicochemical variation, residue mobility, and thermodynamic stability) indicates that this missense variant is expected to disrupt TNFRSF11A protein function with a positive predictive value of 80%. In summary, the available evidence is currently insufficient to determine the role of this variant in disease. Therefore, it has been classified as a Variant of Uncertain Significance.

Ambry Genetics
Classification: Uncertain significance for Inborn genetic diseases. Last evaluated: 2024-12-17. Review status: criteria provided, single submitter. Criteria: Ambry Variant Classification Scheme 2023. Collection method: clinical testing. Allele origin: germline.

NM_003839.4(TNFRSF11A):c.653T>A (p.Leu218His)

Gene: TNFRSF11A (TNF receptor superfamily member 11a; plus strand). Cytogenetic location: 18q21.33.
Variant type: single nucleotide variant.
Coding change: c.653T>A on transcript NM_003839.4 (MANE Select); coding-DNA position 653, T replaced by A.
Protein change: p.Leu218His; replaces leucine 218 with histidine.
Molecular consequence: missense variant. On other transcripts: intron variant (1).
Genome position (GRCh38, 1-based): chr18:62,361,716, T>A. VCF-style: chr18-62361716-T-A. GRCh37 (hg19) VCF-style: chr18-60028949-T-A.
Other names: c.653T>A, p.Leu218His (NM_001270949.2, NM_001270950.2); c.611T>A, p.Leu204His (NM_001278268.2); c.616+1667T>A (NM_001270951.2); c.653T>A (NM_003839.2); short protein forms L204H, L218H.
Identifiers: ClinVar variation 1351849 (VCV001351849.7), dbSNP rs753664199, ClinGen allele CA8983823.